The following is an entry in ClinVar:

NM_000214.3(JAG1):c.1978G>T (p.Glu660Ter)

Gene: JAG1 (jagged canonical Notch ligand 1; minus strand). Cytogenetic location: 20p12.2.
Variant type: single nucleotide variant.
Coding change: c.1978G>T on transcript NM_000214.3 (MANE Select); coding-DNA position 1978, G replaced by T.
Protein change: p.Glu660Ter; replaces glutamic acid 660 with a stop codon.
Molecular consequence: nonsense.
Genome position (GRCh38, 1-based): chr20:10,645,992, C>A on the plus strand (G>T on the coding strand, the complement: JAG1 is on the minus strand). VCF-style: chr20-10645992-C-A. GRCh37 (hg19) VCF-style: chr20-10626640-C-A.
Other names: short protein forms E660*.
Identifiers: ClinVar variation 3344862 (VCV003344862.1).
Genomic context (GRCh38, chr20:10,645,992, plus strand): 5'-CCATACATCCCAGAGCTCCCCAAAGAGTGGCAGACTCACTGGTTTCACAGTAGGCCCCCT[C>A]CCAGCCGTCACTACAGATGCACTTGTAGGAGTTGACACCATCGATGCAAGTGCCACCGTT-3'

ClinVar aggregate classification (germline): Likely pathogenic (0 of 4 stars; one submission).

Conditions:
JAG1-related disorder. Also called: JAG1-related disorders; JAG1-related condition.

Submission:

PreventionGenetics, part of Exact Sciences
Classification: Likely pathogenic for JAG1-related condition. Last evaluated: 2024-06-30. Review status: no assertion criteria provided. Collection method: clinical testing. Allele origin: germline.
Comment: The JAG1 c.1978G>T variant is predicted to result in premature protein termination (p.Glu660*). To our knowledge, this variant has not been reported in the literature or in a large population database, indicating this variant is rare. Nonsense variants in JAG1 are expected to be pathogenic. This variant is interpreted as likely pathogenic.